The following is an entry in ClinVar:

ClinVar aggregate classification (germline): Benign. Review status: criteria provided, multiple submitters, no conflicts (2 of 4 stars). 3 submissions from 3 submitters: Benign (3). Last evaluated 2018-11-10.

Conditions:
Bardet-Biedl syndrome 7 (BBS7). Identifiers: Orphanet 110, MedGen C1859565, MONDO:0014435, OMIM 615984.

Allele frequency attached by ClinVar (database versions not stated): 1000 Genomes Project 30x 0.30122; 1000 Genomes Project 0.30132; TOPMed 0.31054; gnomAD 0.31261 and 0.31730.
gnomAD v4.1: 366,557 of 981,464 alleles (37%); highest among the groups gnomAD compares: East Asian, 49%; 71,406 homozygotes.

Submissions (3):

GeneDx
Classification: Benign. Last evaluated: 2018-11-10. Review status: criteria provided, single submitter. Criteria: GeneDx Variant Classification Process June 2021. Collection method: clinical testing. Allele origin: germline. Affected: yes.

Illumina Laboratory Services, Illumina
Classification: Benign for Bardet-Biedl syndrome 7. Last evaluated: 2018-01-13. Review status: criteria provided, single submitter. Criteria: ICSL Variant Classification Criteria 13 December 2019. Collection method: clinical testing. Allele origin: germline.
Comment: This variant was observed in the ICSL laboratory as part of a predisposition screen in an ostensibly healthy population. It had not been previously curated by ICSL or reported in the Human Gene Mutation Database (HGMD: prior to June 1st, 2018), and was therefore a candidate for classification through an automated scoring system. Utilizing variant allele frequency, disease prevalence and penetrance estimates, and inheritance mode, an automated score was calculated to assess if this variant is too frequent to cause the disease. Based on the score and internal cut-off values, a variant classified as benign is not then subjected to further curation. The score for this variant resulted in a classification of benign for this disease.

Breakthrough Genomics
Classification: Benign. Review status: criteria provided, single submitter. Criteria: ACMG Guidelines, 2015. Collection method: not provided. Allele origin: germline. Inheritance: Autosomal recessive inheritance. Affected: yes.

NM_176824.3(BBS7):c.-133C>G

Gene: BBS7 (Bardet-Biedl syndrome 7; minus strand). Cytogenetic location: 4q27.
Variant type: single nucleotide variant.
Coding change: c.-133C>G on transcript NM_176824.3 (MANE Select); 133 bases upstream of the start codon, C replaced by G.
Molecular consequence: 5 prime UTR variant.
Genome position (GRCh38, 1-based): chr4:121,870,446, G>C on the plus strand (C>G on the coding strand, the complement: BBS7 is on the minus strand). VCF-style: chr4-121870446-G-C. GRCh37 (hg19) VCF-style: chr4-122791601-G-C.
Other names: c.-133C>G (NM_018190.4).
Identifiers: ClinVar variation 347491 (VCV000347491.7), dbSNP rs2271176, ClinGen allele CA10617022.